The following is an entry in ClinVar:

NM_000037.4(ANK1):c.4699C>T (p.Gln1567Ter)

Gene: ANK1 (ankyrin 1; minus strand). Cytogenetic location: 8p11.21.
Variant type: single nucleotide variant.
Coding change: c.4699C>T on transcript NM_000037.4 (MANE Select); coding-DNA position 4699, C replaced by T.
Protein change: p.Gln1567Ter; replaces glutamine 1567 with a stop codon.
Molecular consequence: nonsense. On other transcripts: intron variant (1).
Genome position (GRCh38, 1-based): chr8:41,672,751, G>A on the plus strand (C>T on the coding strand, the complement: ANK1 is on the minus strand). VCF-style: chr8-41672751-G-A. GRCh37 (hg19) VCF-style: chr8-41530269-G-A.
Other names: p.Gln1567*; c.4822C>T, p.Gln1608Ter (NM_001142446.2); c.4699C>T, p.Gln1567Ter (NM_020475.3, NM_020476.3); c.4538-325C>T (NM_020477.3); short protein forms Q1608*, Q1567*.
Identifiers: ClinVar variation 3725043 (VCV003725043.3).

ClinVar aggregate classification (germline): Pathogenic/Likely pathogenic. Review status: criteria provided, multiple submitters, no conflicts (2 of 4 stars). 2 submissions from 2 submitters: Pathogenic (1); Likely pathogenic (1). Last evaluated 2025-09-10.

Submissions (2):

Mayo Clinic Laboratories, Mayo Clinic
Classification: Likely pathogenic. Last evaluated: 2025-09-10. Review status: criteria provided, single submitter. Criteria: ACMG Guidelines, 2015. Collection method: clinical testing. Allele origin: germline. Observed: 1 variant allele.
Comment: PM2_supporting, PVS1

Labcorp Genetics (formerly Invitae), Labcorp
Classification: Pathogenic. Last evaluated: 2025-03-26. Review status: criteria provided, single submitter. Criteria: Invitae Variant Classification Sherloc (09022015). Collection method: clinical testing. Allele origin: germline.
Comment: This sequence change creates a premature translational stop signal (p.Gln1567*) in the ANK1 gene. It is expected to result in an absent or disrupted protein product. Loss-of-function variants in ANK1 are known to be pathogenic (PMID: 8640229). This variant is not present in population databases (gnomAD no frequency). This variant has not been reported in the literature in individuals affected with ANK1-related conditions. Algorithms developed to predict the effect of sequence changes on RNA splicing suggest that this variant may create or strengthen a splice site. For these reasons, this variant has been classified as Pathogenic.

Literature cited by the submitters: PubMed 8640229 (cited by Labcorp Genetics (formerly Invitae), Labcorp).